The following is an entry in ClinVar:

ClinVar aggregate classification (germline): Likely benign (1 of 4 stars; one submission).

Submission:

CeGaT Center for Human Genetics Tuebingen
Classification: Likely benign. Last evaluated: 2025-08-01. Review status: criteria provided, single submitter. Criteria: CeGaT Center For Human Genetics Tuebingen Variant Classification Criteria Version 2. Collection method: clinical testing. Allele origin: germline. Affected: yes. Observed: 1 variant allele.
Comment: SMARCA4: PM2:Supporting, BP4, BP7

NM_003072.5(SMARCA4):c.1251C>G (p.Arg417=)

Gene: SMARCA4 (SWI/SNF related BAF chromatin remodeling complex subunit ATPase 4; plus strand). Cytogenetic location: 19p13.2.
Variant type: single nucleotide variant.
Coding change: c.1251C>G on transcript NM_003072.5 (MANE Select); coding-DNA position 1251, C replaced by G.
Protein change: p.Arg417=; no amino-acid change (arginine 417 retained).
Molecular consequence: synonymous variant. On other transcripts: non-coding transcript variant (1).
Genome position (GRCh38, 1-based): chr19:10,991,155, C>G. VCF-style: chr19-10991155-C-G. GRCh37 (hg19) VCF-style: chr19-11101831-C-G.
Other names: c.1251C>G, p.Arg417= (NM_001128844.3, NM_001128845.2, NM_001128846.2 and 6 more transcripts).
Identifiers: ClinVar variation 4084813 (VCV004084813.8).